The following is an entry in ClinVar:

NM_000038.6(APC):c.5216A>T (p.Lys1739Met)

Gene: APC (APC regulator of Wnt signaling pathway; plus strand). Cytogenetic location: 5q22.2.
Variant type: single nucleotide variant.
Coding change: c.5216A>T on transcript NM_000038.6 (MANE Select); coding-DNA position 5216, A replaced by T.
Protein change: p.Lys1739Met; replaces lysine 1739 with methionine.
Molecular consequence: missense variant.
Genome position (GRCh38, 1-based): chr5:112,840,810, A>T. VCF-style: chr5-112840810-A-T. GRCh37 (hg19) VCF-style: chr5-112176507-A-T.
Other names: c.5216A>T, p.Lys1739Met (NM_001127510.3, NM_001354895.2); c.5162A>T, p.Lys1721Met (NM_001127511.3); c.5270A>T, p.Lys1757Met (NM_001354896.2); c.5246A>T, p.Lys1749Met (NM_001354897.2); c.5141A>T, p.Lys1714Met (NM_001354898.2); c.5132A>T, p.Lys1711Met (NM_001354899.2); c.5093A>T, p.Lys1698Met (NM_001354900.2); c.5039A>T, p.Lys1680Met (NM_001354901.2); and 5 more; short protein forms K1721M, K1739M, K1613M, K1711M, K1456M, K1579M, K1757M, K1698M.
Identifiers: ClinVar variation 469993 (VCV000469993.21), dbSNP rs769558291, ClinGen allele CA16032734.

ClinVar aggregate classification (germline): Uncertain significance. Review status: criteria provided, multiple submitters, no conflicts (2 of 4 stars). 4 submissions from 4 submitters: Uncertain significance (4). Last evaluated 2024-12-05.

Conditions:
Familial adenomatous polyposis 1 (FAP1). Also called: POLYPOSIS, ADENOMATOUS INTESTINAL; FAMILIAL ADENOMATOUS POLYPOSIS 1, ATTENUATED. Identifiers: MedGen C2713442, MONDO:0021056, OMIM 175100. Disease mechanism: loss of function.
Hereditary cancer-predisposing syndrome. Also called: Hereditary neoplastic syndrome; Neoplastic Syndromes, Hereditary; Tumor predisposition; Hereditary Cancer Syndrome. Identifiers: Orphanet 140162, MedGen C0027672, MeSH D009386, MONDO:0015356.
Classic or attenuated familial adenomatous polyposis. Identifiers: MedGen CN372698, MONDO:0021057.

gnomAD v4.1: 2 of 1,614,044 alleles (0.00012%); highest among the groups gnomAD compares: Admixed American, 0.0017%; no homozygotes.

Submissions (4):

Ambry Genetics
Classification: Uncertain significance for Hereditary cancer-predisposing syndrome. Last evaluated: 2024-12-05. Review status: criteria provided, single submitter. Criteria: Ambry Variant Classification Scheme 2023. Collection method: clinical testing. Allele origin: germline.
Comment: The p.K1739M variant (also known as c.5216A>T), located in coding exon 15 of the APC gene, results from an A to T substitution at nucleotide position 5216. The lysine at codon 1739 is replaced by methionine, an amino acid with similar properties. Missense alterations in APC are not a common cause of disease (Spier I et al. Genet Med. 2024 Feb;26(2):100992). This amino acid position is highly conserved in available vertebrate species. In addition, in silico predictors for this gene do not accurately predict pathogenicity. Based on the available evidence, the clinical significance of this variant remains unclear.

Labcorp Genetics (formerly Invitae), Labcorp
Classification: Uncertain significance for Familial adenomatous polyposis 1. Last evaluated: 2024-05-14. Review status: criteria provided, single submitter. Criteria: Invitae Variant Classification Sherloc (09022015). Collection method: clinical testing. Allele origin: germline.
Comment: This sequence change replaces lysine, which is basic and polar, with methionine, which is neutral and non-polar, at codon 1739 of the APC protein (p.Lys1739Met). This variant is present in population databases (no rsID available, gnomAD 0.002%). This variant has not been reported in the literature in individuals affected with APC-related conditions. ClinVar contains an entry for this variant (Variation ID: 469993). Advanced modeling of protein sequence and biophysical properties (such as structural, functional, and spatial information, amino acid conservation, physicochemical variation, residue mobility, and thermodynamic stability) performed at Invitae indicates that this missense variant is not expected to disrupt APC protein function with a negative predictive value of 95%. In summary, the available evidence is currently insufficient to determine the role of this variant in disease. Therefore, it has been classified as a Variant of Uncertain Significance.

All of Us Research Program, National Institutes of Health
Classification: Uncertain significance for Classic or attenuated familial adenomatous polyposis. Last evaluated: 2023-08-15. Review status: criteria provided, single submitter. Criteria: ACMG Guidelines, 2015. Collection method: clinical testing. Allele origin: germline. Inheritance: Autosomal dominant inheritance. Observed: 1 variant allele, 1 heterozygote.
Comment: This missense variant replaces lysine with methionine at codon 1739 of the APC protein. Computational prediction is inconclusive regarding the impact of this variant on protein structure and function (internally defined REVEL score threshold 0.5 < inconclusive < 0.7, PMID: 27666373). To our knowledge, functional studies have not been reported for this variant. This variant has not been reported in individuals affected with APC-related disorders in the literature. This variant has been identified in 2/250664 chromosomes in the general population by the Genome Aggregation Database (gnomAD). The available evidence is insufficient to determine the role of this variant in disease conclusively. Therefore, this variant is classified as a Variant of Uncertain Significance.

This study involves interpretation of variants in research participants for the purpose of population health screening. Participant phenotype was not available at the time of variant classification. Additional details can be found in publication PMID: 35346344, PMCID: PMC8962531

Color Diagnostics, LLC DBA Color Health
Classification: Uncertain significance for Hereditary cancer-predisposing syndrome. Last evaluated: 2023-07-26. Review status: criteria provided, single submitter. Criteria: ACMG Guidelines, 2015. Collection method: clinical testing. Allele origin: germline.
Comment: This missense variant replaces lysine with methionine at codon 1739 of the APC protein. Computational prediction is inconclusive regarding the impact of this variant on protein structure and function (internally defined REVEL score threshold 0.5 < inconclusive < 0.7, PMID: 27666373). To our knowledge, functional studies have not been reported for this variant. This variant has not been reported in individuals affected with APC-related disorders in the literature. This variant has been identified in 2/250664 chromosomes in the general population by the Genome Aggregation Database (gnomAD). The available evidence is insufficient to determine the role of this variant in disease conclusively. Therefore, this variant is classified as a Variant of Uncertain Significance.